The following is an entry in ClinVar:

ClinVar aggregate classification (germline): Uncertain significance (1 of 4 stars; one submission).

Submission:

GeneDx
Classification: Uncertain significance. Last evaluated: 2026-03-21. Review status: criteria provided, single submitter. Criteria: GeneDx Variant Classification Process June 2021. Collection method: clinical testing. Allele origin: germline.
Comment: Not observed at significant frequency in large population cohorts (gnomAD); In silico analysis suggests that this missense variant does not alter protein structure/function; Has not been previously published as pathogenic or benign to our knowledge

NM_003070.5(SMARCA2):c.3316G>T (p.Ala1106Ser)

Gene: SMARCA2 (SWI/SNF related BAF chromatin remodeling complex subunit ATPase 2; plus strand). Cytogenetic location: 9p24.3.
Variant type: single nucleotide variant.
Coding change: c.3316G>T on transcript NM_003070.5 (MANE Select); coding-DNA position 3316, G replaced by T.
Protein change: p.Ala1106Ser; replaces alanine 1106 with serine.
Molecular consequence: missense variant.
Genome position (GRCh38, 1-based): chr9:2,110,277, G>T. VCF-style: chr9-2110277-G-T. GRCh37 (hg19) VCF-style: chr9-2110277-G-T.
Other names: c.3316G>T, p.Ala1106Ser (NM_001289396.2, NM_139045.4); c.3142G>T, p.Ala1048Ser (NM_001289397.2); short protein forms A1048S, A1106S.
Identifiers: ClinVar variation 5009390 (VCV005009390.1).